The following is an entry in ClinVar:

NM_001164508.2(NEB):c.23320CAA[1] (p.Gln7775del)

Genes: NEB (nebulin; minus strand), RIF1 (replication timing regulatory factor 1; plus strand). Cytogenetic location: 2q23.3.
Variant type: Microsatellite.
Coding change: c.23320CAA[1] on transcript NM_001164508.2 (MANE Select); one copy of the 3-base unit CAA starting at c.23320; the reference has two copies in a row; one copy, 3 bases deleted.
Protein change: p.Gln7775del; deletes glutamine 7775.
Molecular consequence: inframe deletion.
Genome position (GRCh38, 1-based): chr2:151,512,754-151,512,756, TTG deleted on the plus strand (CAA on the coding strand, the reverse complement: NEB is on the minus strand); deleting any 3 consecutive bases within chr2:151,512,754-151,512,759 gives the same sequence; the position shown is the placement nearest the transcript's 3' end. VCF-style (leftmost placement, unchanged base first): chr2-151512753-CTTG-C. GRCh37 (hg19) VCF-style: chr2-152369267-CTTG-C.
Other names: c.23428_23430del (NM_001271208.1); c.23320CAA[1], p.Gln7775del (NM_001164507.2); c.23425CAA[1], p.Gln7810del (NM_001271208.2); c.18217CAA[1], p.Gln6074del (NM_004543.5); short protein forms Q7810del, Q7775del, Q6074del.
Identifiers: ClinVar variation 556282 (VCV000556282.10), dbSNP rs1553614214, ClinGen allele CA536632221.

ClinVar aggregate classification (germline): Uncertain significance. Review status: criteria provided, single submitter (1 of 4 stars). 2 submissions from 2 submitters: Uncertain significance (1). 1 of the submissions does not count toward it. Last evaluated 2019-11-08.

Conditions:
Nemaline myopathy 2 (NEM2). Also called: Nemaline myopathy 2, autosomal recessive. Identifiers: MedGen C1850569, MONDO:0009725, OMIM 256030.

Submissions (2):

Labcorp Genetics (formerly Invitae), Labcorp
Classification: Uncertain significance for Nemaline myopathy 2. Last evaluated: 2019-11-08. Review status: criteria provided, single submitter. Criteria: Invitae Variant Classification Sherloc (09022015). Collection method: clinical testing. Allele origin: germline.
Comment: This variant, c.23428_23430del, results in the deletion of 1 amino acid(s) of the NEB protein (p.Gln7810del), but otherwise preserves the integrity of the reading frame. In summary, the available evidence is currently insufficient to determine the role of this variant in disease. Therefore, it has been classified as a Variant of Uncertain Significance. Experimental studies and prediction algorithms are not available or were not evaluated, and the functional significance of this variant is currently unknown. This variant has not been reported in the literature in individuals with NEB-related conditions. ClinVar contains an entry for this variant (Variation ID: 556282). This variant is not present in population databases (ExAC no frequency).

Counsyl
Classification: Uncertain significance for Nemaline myopathy 2. Last evaluated: 2018-01-24. Review status: no assertion criteria provided. Collection method: clinical testing. Allele origin: unknown. Not counted in ClinVar's aggregate classification.